The following is an entry in ClinVar:

NM_198236.3(ARHGEF11):c.2295G>A (p.Val765=)

Gene: ARHGEF11 (Rho guanine nucleotide exchange factor 11; minus strand). Cytogenetic location: 1q23.1.
Variant type: single nucleotide variant.
Coding change: c.2295G>A on transcript NM_198236.3 (MANE Select); coding-DNA position 2295, G replaced by A.
Protein change: p.Val765=; no amino-acid change (valine 765 retained).
Molecular consequence: synonymous variant.
Genome position (GRCh38, 1-based): chr1:156,947,815, C>T on the plus strand (G>A on the coding strand, the complement: ARHGEF11 is on the minus strand). VCF-style: chr1-156947815-C-T. GRCh37 (hg19) VCF-style: chr1-156917607-C-T.
Other names: c.2286G>A, p.Val762= (NM_001377418.1); c.2265G>A, p.Val755= (NM_001377419.1); c.2175G>A, p.Val725= (NM_014784.4).
Identifiers: ClinVar variation 2639471 (VCV002639471.24), dbSNP rs761396205, ClinGen allele CA421157237.

ClinVar aggregate classification (germline): Likely benign (1 of 4 stars; one submission).

Submission:

CeGaT Center for Human Genetics Tuebingen
Classification: Likely benign. Last evaluated: 2022-07-01. Review status: criteria provided, single submitter. Criteria: CeGaT Center For Human Genetics Tuebingen Variant Classification Criteria Version 2. Collection method: clinical testing. Allele origin: germline. Affected: yes. Observed: 1 variant allele.
Comment: ARHGEF11: PM2:Supporting, BP4, BP7